The following is an entry in ClinVar:

NM_001367624.2(ZNF469):c.4472C>T (p.Thr1491Met)

Gene: ZNF469 (zinc finger protein 469; plus strand). Cytogenetic location: 16q24.2.
Variant type: single nucleotide variant.
Coding change: c.4472C>T on transcript NM_001367624.2 (MANE Select); coding-DNA position 4472, C replaced by T.
Protein change: p.Thr1491Met; replaces threonine 1491 with methionine.
Molecular consequence: missense variant.
Genome position (GRCh38, 1-based): chr16:88,431,942, C>T. VCF-style: chr16-88431942-C-T. GRCh37 (hg19) VCF-style: chr16-88498350-C-T.
Other names: NM_001127464.1:c.4388C>T; NM_001127464.2:c.4388C>T; p.Thr1491Met; short protein forms T1491M.
Identifiers: ClinVar variation 281900 (VCV000281900.75), dbSNP rs375045076, ClinGen allele CA8224963.

ClinVar aggregate classification (germline): Conflicting classifications of pathogenicity. Review status: criteria provided, conflicting classifications (1 of 4 stars). 14 submissions from 14 submitters: Uncertain significance (3); Benign (1); Likely benign (7). 3 of the submissions do not count toward it. Last evaluated 2026-04-08.

Conditions:
Cardiovascular phenotype. Identifiers: MedGen CN230736.
ZNF469-related disorder. Also called: ZNF469-related condition.
Ehlers-Danlos syndrome (EDS). Identifiers: Orphanet 98249, MedGen C0013720, MONDO:0020066.
Brittle cornea syndrome 1 (BCS1). Also called: CORNEAL FRAGILITY, KERATOGLOBUS, BLUE SCLERAE, JOINT HYPEREXTENSIBILITY; EDS6B; FRAGILITAS OCULI WITH JOINT HYPEREXTENSIBILITY; Corneal fragility keratoglobus, blue sclerae AND joint hypermobility; DYSGENESIS MESODERMALIS CORNEAE ET SCLERAE. Identifiers: Orphanet 90354, MedGen C0268344, MONDO:0024543, OMIM 229200.

Allele frequency attached by ClinVar (database versions not stated): 1000 Genomes Project 0.00080; 1000 Genomes Project 30x 0.00109; ExAC 0.00159; gnomAD exomes 0.00191 and 0.00374; TOPMed 0.00235; gnomAD 0.00249 and 0.00255; ESP Exome Variant Server 0.00329.
gnomAD v4.1: 5,528 of 1,549,392 alleles (0.36%); highest among the groups gnomAD compares: Non-Finnish European, 0.45%; 17 homozygotes.

Submissions (14):

Women's Health and Genetics/Laboratory Corporation of America, LabCorp
Classification: Likely benign. Last evaluated: 2026-04-08. Review status: criteria provided, single submitter. Criteria: LabCorp Variant Classification Summary - May 2015. Collection method: clinical testing. Allele origin: germline.
Comment: Variant summary: ZNF469 c.4472C>T (p.Thr1491Met) results in a non-conservative amino acid change in the encoded protein sequence. Algorithms developed to predict the effect of missense changes on protein structure and function are either unavailable or do not agree on the potential impact of this missense change. The variant allele was found at a frequency of 0.0019 in 153134 control chromosomes, predominantly at a frequency of 0.0039 within the Non-Finnish European subpopulation in the gnomAD database, including 1 homozygotes. The observed variant frequency within Non-Finnish European control individuals in the gnomAD database exceeds the estimated maximal expected allele frequency for disease-causing variants in ZNF469. c.4472C>T has been observed in a setting of panel study on Keratoconus without clear evidence for disease causality (Lucas_2017). These report(s) do not provide unequivocal conclusions about association of the variant with Brittle cornea syndrome 1. To our knowledge, no experimental evidence demonstrating an impact on protein function has been reported. The following publication have been ascertained in the context of this evaluation (PMID: 29228253). ClinVar contains an entry for this variant (Variation ID: 281900). Based on the evidence outlined above, the variant was classified as likely benign.

CeGaT Center for Human Genetics Tuebingen
Classification: Likely benign. Last evaluated: 2026-02-01. Review status: criteria provided, single submitter. Criteria: CeGaT Center For Human Genetics Tuebingen Variant Classification Criteria Version 2. Collection method: clinical testing. Allele origin: germline. Affected: yes. Observed: 19 variant alleles.
Comment: ZNF469: BP4, BS2

Labcorp Genetics (formerly Invitae), Labcorp
Classification: Likely benign. Last evaluated: 2026-01-29. Review status: criteria provided, single submitter. Criteria: Invitae Variant Classification Sherloc (09022015). Collection method: clinical testing. Allele origin: germline.

Mayo Clinic Laboratories, Mayo Clinic
Classification: Likely benign. Last evaluated: 2025-11-18. Review status: criteria provided, single submitter. Criteria: ACMG Guidelines, 2015. Collection method: clinical testing. Allele origin: germline. Observed: 21 variant alleles.
Comment: BS1, BP4_moderate

Blueprint Genetics
Classification: Likely benign. Last evaluated: 2024-11-23. Review status: criteria provided, single submitter. Criteria: ACMG Guidelines, 2015. Collection method: clinical testing. Allele origin: germline.

Genome Diagnostics Laboratory, The Hospital for Sick Children
Classification: Likely benign for Ehlers-Danlos syndrome. Last evaluated: 2022-06-14. Review status: criteria provided, single submitter. Criteria: ACMG Guidelines, 2015. Collection method: clinical testing. Allele origin: germline.

GeneDx
Classification: Likely benign. Last evaluated: 2021-06-16. Review status: criteria provided, single submitter. Criteria: GeneDx Variant Classification Process June 2021. Collection method: clinical testing. Allele origin: germline. Affected: yes.
Comment: Has not been previously published as pathogenic or benign to our knowledge; This variant is associated with the following publications: (PMID: 26582918)

Ambry Genetics
Classification: Benign for Cardiovascular phenotype. Last evaluated: 2019-02-20. Review status: criteria provided, single submitter. Criteria: Ambry Variant Classification Scheme 2023. Collection method: clinical testing. Allele origin: germline.

Baylor Genetics
Classification: Uncertain significance for Brittle cornea syndrome 1. Last evaluated: 2018-03-20. Review status: criteria provided, single submitter. Criteria: ACMG Guidelines, 2015. Collection method: clinical testing. Allele origin: maternal. Affected: yes.
Comment: This variant was determined to be of uncertain significance according to ACMG Guidelines, 2015 [PMID:25741868].

Genetic Services Laboratory, University of Chicago
Classification: Uncertain significance. Last evaluated: 2016-07-05. Review status: criteria provided, single submitter. Criteria: ACMG Guidelines, 2015. Collection method: clinical testing. Allele origin: germline. Affected: no.

Eurofins Ntd Llc (ga)
Classification: Uncertain significance. Last evaluated: 2015-07-22. Review status: criteria provided, single submitter. Criteria: EGL Classification Definitions 2015. Collection method: clinical testing. Allele origin: germline. Observed: 2 variant alleles, 2 heterozygotes.

PreventionGenetics, part of Exact Sciences
Classification: Likely benign for ZNF469-related condition. Last evaluated: 2020-08-04. Review status: no assertion criteria provided. Collection method: clinical testing. Allele origin: germline. Not counted in ClinVar's aggregate classification.
Comment: This variant is classified as likely benign based on ACMG/AMP sequence variant interpretation guidelines (Richards et al. 2015 PMID: 25741868, with internal and published modifications).

Clinical Genetics DNA and cytogenetics Diagnostics Lab, Erasmus MC, Erasmus Medical Center
Classification: Likely benign. Review status: no assertion criteria provided. Collection method: clinical testing. Allele origin: germline. Affected: yes. Study: VKGL Data-share Consensus. Not counted in ClinVar's aggregate classification.

Genome Diagnostics Laboratory, Amsterdam University Medical Center
Classification: Likely benign. Review status: no assertion criteria provided. Collection method: clinical testing. Allele origin: germline. Affected: yes. Study: VKGL Data-share Consensus. Not counted in ClinVar's aggregate classification.

Literature cited by the submitters: PubMed 29228253 (cited by Women's Health and Genetics/Laboratory Corporation of America, LabCorp).